The following is an entry in ClinVar:

ClinVar aggregate classification (germline): Uncertain significance (1 of 4 stars; one submission).

Submission:

Labcorp Genetics (formerly Invitae), Labcorp
Classification: Uncertain significance. Last evaluated: 2022-03-01. Review status: criteria provided, single submitter. Criteria: Invitae Variant Classification Sherloc (09022015). Collection method: clinical testing. Allele origin: germline.
Comment: In summary, the available evidence is currently insufficient to determine the role of this variant in disease. Therefore, it has been classified as a Variant of Uncertain Significance. Algorithms developed to predict the effect of missense changes on protein structure and function are either unavailable or do not agree on the potential impact of this missense change (SIFT: "Tolerated"; PolyPhen-2: "Probably Damaging"; Align-GVGD: "Class C0"). This variant has not been reported in the literature in individuals affected with WDR1-related conditions. This variant is not present in population databases (gnomAD no frequency). This sequence change replaces histidine, which is basic and polar, with glutamine, which is neutral and polar, at codon 531 of the WDR1 protein (p.His531Gln).

NM_017491.5(WDR1):c.1593C>A (p.His531Gln)

Gene: WDR1 (WD repeat domain 1; minus strand). Cytogenetic location: 4p16.1.
Variant type: single nucleotide variant.
Coding change: c.1593C>A on transcript NM_017491.5 (MANE Select); coding-DNA position 1593, C replaced by A.
Protein change: p.His531Gln; replaces histidine 531 with glutamine.
Molecular consequence: missense variant.
Genome position (GRCh38, 1-based): chr4:10,077,425, G>T on the plus strand (C>A on the coding strand, the complement: WDR1 is on the minus strand). VCF-style: chr4-10077425-G-T. GRCh37 (hg19) VCF-style: chr4-10079049-G-T.
Other names: c.1173C>A, p.His391Gln (NM_005112.5); short protein forms H391Q, H531Q.
Identifiers: ClinVar variation 2105369 (VCV002105369.4), dbSNP rs2547342479, ClinGen allele CA356354722.
Genomic context (GRCh38, chr4:10,077,425, plus strand): 5'-GCCACCGGAGGCAAAGTGTTCATTGTCTGGGGACCAGGCCAGGCAGACGATTTTTGCATG[G>T]TGTCCATAAAAAACATTGTTCTCCTAGTTGCAGGTTGAAAACAAGAGAGGTGGCAGGTCA-3'
Protein context (NP_059830.1, residues 521-541): GYSENNVFYG[His531Gln]HAKIVCLAWS